The following is an entry in ClinVar:

ClinVar aggregate classification (germline): Likely benign. Review status: criteria provided, multiple submitters, no conflicts (2 of 4 stars). 3 submissions from 3 submitters: Likely benign (3). Last evaluated 2023-04-26.

Conditions:
Hereditary cancer-predisposing syndrome. Also called: Tumor predisposition; Hereditary neoplastic syndrome; Neoplastic Syndromes, Hereditary; Hereditary Cancer Syndrome. Identifiers: Orphanet 140162, MedGen C0027672, MeSH D009386, MONDO:0015356.

Allele frequency attached by ClinVar (database versions not stated): gnomAD exomes below 0.00001.

Submissions (3):

Labcorp Genetics (formerly Invitae), Labcorp
Classification: Likely benign. Last evaluated: 2023-04-26. Review status: criteria provided, single submitter. Criteria: Invitae Variant Classification Sherloc (09022015). Collection method: clinical testing. Allele origin: germline.

Ambry Genetics
Classification: Likely benign for Hereditary cancer-predisposing syndrome. Last evaluated: 2018-12-06. Review status: criteria provided, single submitter. Criteria: Ambry Variant Classification Scheme 2023. Collection method: clinical testing. Allele origin: germline.

GeneDx
Classification: Likely benign. Last evaluated: 2015-12-20. Review status: criteria provided, single submitter. Criteria: GeneDx Variant Classification (06012015). Collection method: clinical testing. Allele origin: germline. Affected: yes.
Comment: This variant is considered likely benign or benign based on one or more of the following criteria: it is a conservative change, it occurs at a poorly conserved position in the protein, it is predicted to be benign by multiple in silico algorithms, and/or has population frequency not consistent with disease.

NM_006231.4(POLE):c.405C>T (p.Pro135=)

Gene: POLE (DNA polymerase epsilon, catalytic subunit; minus strand). Cytogenetic location: 12q24.33.
Variant type: single nucleotide variant.
Coding change: c.405C>T on transcript NM_006231.4 (MANE Select); coding-DNA position 405, C replaced by T.
Protein change: p.Pro135=; no amino-acid change (proline 135 retained).
Molecular consequence: synonymous variant.
Genome position (GRCh38, 1-based): chr12:132,679,972, G>A on the plus strand (C>T on the coding strand, the complement: POLE is on the minus strand). VCF-style: chr12-132679972-G-A. GRCh37 (hg19) VCF-style: chr12-133256558-G-A.
Identifiers: ClinVar variation 382445 (VCV000382445.6), dbSNP rs1057521357, ClinGen allele CA16606209.